The following is an entry in ClinVar:

NM_001048174.2(MUTYH):c.1037C>T (p.Thr346Ile)

Gene: MUTYH (mutY DNA glycosylase; minus strand). Cytogenetic location: 1p34.1.
Variant type: single nucleotide variant.
Coding change: c.1037C>T on transcript NM_001048174.2 (MANE Select); coding-DNA position 1037, C replaced by T.
Protein change: p.Thr346Ile; replaces threonine 346 with isoleucine.
Molecular consequence: missense variant. On other transcripts: non-coding transcript variant (2).
Genome position (GRCh38, 1-based): chr1:45,331,726, G>A on the plus strand (C>T on the coding strand, the complement: MUTYH is on the minus strand). VCF-style: chr1-45331726-G-A. GRCh37 (hg19) VCF-style: chr1-45797398-G-A.
Other names: c.1037C>T, p.Thr346Ile (NM_001048171.2, NM_001048173.2, NM_001293195.2); c.1040C>T, p.Thr347Ile (NM_001048172.2); c.1121C>T, p.Thr374Ile (NM_001128425.2); c.1082C>T, p.Thr361Ile (NM_001293190.2); c.1070C>T, p.Thr357Ile (NM_001293191.2); c.761C>T, p.Thr254Ile (NM_001293192.2, NM_001293196.2); c.692C>T, p.Thr231Ile (NM_001350650.2, NM_001350651.2); c.1112C>T, p.Thr371Ile (NM_012222.3); short protein forms T374I, T231I, T346I, T347I, T371I, T357I, T361I, T254I.
Identifiers: ClinVar variation 439219 (VCV000439219.21), dbSNP rs1553126467, ClinGen allele CA340133487.

ClinVar aggregate classification (germline): Conflicting classifications of pathogenicity. Review status: criteria provided, conflicting classifications (1 of 4 stars). 7 submissions from 7 submitters: Uncertain significance (6); Benign (1). Last evaluated 2025-10-26.

Conditions:
Hereditary cancer-predisposing syndrome. Also called: Neoplastic Syndromes, Hereditary; Tumor predisposition; Hereditary neoplastic syndrome; Hereditary Cancer Syndrome. Identifiers: Orphanet 140162, MedGen C0027672, MeSH D009386, MONDO:0015356.
Familial adenomatous polyposis 2. Also called: COLORECTAL ADENOMATOUS POLYPOSIS, AUTOSOMAL RECESSIVE; ADENOMAS, MULTIPLE COLORECTAL, AUTOSOMAL RECESSIVE; MUTYH-associated polyposis; FAP type 2; MUTYH-related attenuated familial adenomatous polyposis; Adenomas, multiple colorectal. Identifiers: Orphanet 220460, Orphanet 247798, MedGen C3272841, MONDO:0012041, OMIM 608456.

Allele frequency attached by ClinVar (database versions not stated): gnomAD exomes below 0.00001; TOPMed below 0.00001; gnomAD 0.00001.
gnomAD v4.1: 2 of 1,614,076 alleles (0.00012%); highest among the groups gnomAD compares: Non-Finnish European, 0.00017%; no homozygotes.

Submissions (7):

Labcorp Genetics (formerly Invitae), Labcorp
Classification: Uncertain significance for Familial adenomatous polyposis 2. Last evaluated: 2025-10-26. Review status: criteria provided, single submitter. Criteria: Invitae Variant Classification Sherloc (09022015). Collection method: clinical testing. Allele origin: germline.
Comment: This sequence change replaces threonine, which is neutral and polar, with isoleucine, which is neutral and non-polar, at codon 374 of the MUTYH protein (p.Thr374Ile). This variant is not present in population databases (gnomAD no frequency). This variant has not been reported in the literature in individuals affected with MUTYH-related conditions. ClinVar contains an entry for this variant (Variation ID: 439219). An algorithm developed to predict the effect of missense changes on protein structure and function outputs the following: PolyPhen-2: "Benign". The isoleucine amino acid residue is found in multiple mammalian species, which suggests that this missense change does not adversely affect protein function. In summary, the available evidence is currently insufficient to determine the role of this variant in disease. Therefore, it has been classified as a Variant of Uncertain Significance.

Ambry Genetics
Classification: Benign for Hereditary cancer-predisposing syndrome. Last evaluated: 2025-09-09. Review status: criteria provided, single submitter. Criteria: Ambry Variant Classification Scheme 2023. Collection method: clinical testing. Allele origin: germline.

Women's Health and Genetics/Laboratory Corporation of America, LabCorp
Classification: Uncertain significance. Last evaluated: 2025-01-06. Review status: criteria provided, single submitter. Criteria: LabCorp Variant Classification Summary - May 2015. Collection method: clinical testing. Allele origin: germline.
Comment: Variant summary: MUTYH c.1121C>T (p.Thr374Ile) results in a non-conservative amino acid change located in the Nudix hydrolase domain profile (IPR000086) of the encoded protein sequence. Three of five in-silico tools predict a benign effect of the variant on protein function. The variant was absent in 250454 control chromosomes. The available data on variant occurrences in the general population are insufficient to allow any conclusion about variant significance. To our knowledge, no occurrence of c.1121C>T in individuals affected with MUTYH-Associated Polyposis and no experimental evidence demonstrating its impact on protein function have been reported. ClinVar contains an entry for this variant (Variation ID: 439219). Based on the evidence outlined above, the variant was classified as uncertain significance.

GeneDx
Classification: Uncertain significance. Last evaluated: 2024-03-26. Review status: criteria provided, single submitter. Criteria: GeneDx Variant Classification Process June 2021. Collection method: clinical testing. Allele origin: germline. Affected: yes.
Comment: Not observed at significant frequency in large population cohorts (gnomAD); In silico analysis supports that this missense variant does not alter protein structure/function; Has not been previously published as pathogenic or benign to our knowledge

All of Us Research Program, National Institutes of Health
Classification: Uncertain significance for Familial adenomatous polyposis 2. Last evaluated: 2023-04-28. Review status: criteria provided, single submitter. Criteria: ACMG Guidelines, 2015. Collection method: clinical testing. Allele origin: germline. Inheritance: Autosomal recessive inheritance. Observed: 1 variant allele, 1 heterozygote.
Comment: This missense variant replaces threonine with isoleucine at codon 374 of the MUTYH protein. Computational prediction suggests that this variant may not impact protein structure and function (internally defined REVEL score threshold <= 0.5, PMID: 27666373). To our knowledge, functional studies have not been reported for this variant. In a large international case-control study, this variant was reported in 1/60466 breast cancer cases and 1/53461 controls (OR=0.884, 95%CI 0.055 to 14.136, p-value=1; PMID: 33471991). This variant has not been identified in the general population by the Genome Aggregation Database (gnomAD). The available evidence is insufficient to determine the role of this variant in disease conclusively. Therefore, this variant is classified as a Variant of Uncertain Significance.

This study involves interpretation of variants in research participants for the purpose of population health screening. Participant phenotype was not available at the time of variant classification. Additional details can be found in publication PMID: 35346344, PMCID: PMC8962531

Color Diagnostics, LLC DBA Color Health
Classification: Uncertain significance for Hereditary cancer-predisposing syndrome. Last evaluated: 2022-11-22. Review status: criteria provided, single submitter. Criteria: ACMG Guidelines, 2015. Collection method: clinical testing. Allele origin: germline.
Comment: This missense variant replaces threonine with isoleucine at codon 374 of the MUTYH protein. Computational prediction suggests that this variant may not impact protein structure and function (internally defined REVEL score threshold <= 0.5, PMID: 27666373). To our knowledge, functional studies have not been reported for this variant. In a large international case-control study, this variant was reported in 1/60466 breast cancer cases and 1/53461 controls (PMID: 33471991). This variant has not been identified in the general population by the Genome Aggregation Database (gnomAD). The available evidence is insufficient to determine the role of this variant in disease conclusively. Therefore, this variant is classified as a Variant of Uncertain Significance.

Quest Diagnostics Nichols Institute San Juan Capistrano
Classification: Uncertain significance. Last evaluated: 2017-03-22. Review status: criteria provided, single submitter. Criteria: Quest Diagnostics criteria. Collection method: clinical testing. Allele origin: germline.

Literature cited by the submitters: PubMed 40738107 (cited by Ambry Genetics); PubMed 33471991 (cited by All of Us Research Program, National Institutes of Health and Color Diagnostics, LLC DBA Color Health).